The following is an entry in ClinVar:

ClinVar aggregate classification (germline): Uncertain significance (1 of 4 stars; one submission).

Submission:

Labcorp Genetics (formerly Invitae), Labcorp
Classification: Uncertain significance. Last evaluated: 2024-02-14. Review status: criteria provided, single submitter. Criteria: Invitae Variant Classification Sherloc (09022015). Collection method: clinical testing. Allele origin: germline.
Comment: This sequence change replaces valine, which is neutral and non-polar, with isoleucine, which is neutral and non-polar, at codon 1403 of the C5 protein (p.Val1403Ile). This variant is not present in population databases (gnomAD no frequency). This variant has not been reported in the literature in individuals affected with C5-related conditions. Advanced modeling of protein sequence and biophysical properties (such as structural, functional, and spatial information, amino acid conservation, physicochemical variation, residue mobility, and thermodynamic stability) performed at Invitae indicates that this missense variant is not expected to disrupt C5 protein function with a negative predictive value of 80%. In summary, the available evidence is currently insufficient to determine the role of this variant in disease. Therefore, it has been classified as a Variant of Uncertain Significance.

NM_001735.3(C5):c.4207G>A (p.Val1403Ile)

Gene: C5 (complement C5; minus strand). Cytogenetic location: 9q33.2.
Variant type: single nucleotide variant.
Coding change: c.4207G>A on transcript NM_001735.3 (MANE Select); coding-DNA position 4207, G replaced by A.
Protein change: p.Val1403Ile; replaces valine 1403 with isoleucine.
Molecular consequence: missense variant.
Genome position (GRCh38, 1-based): chr9:120,969,074, C>T on the plus strand (G>A on the coding strand, the complement: C5 is on the minus strand). VCF-style: chr9-120969074-C-T. GRCh37 (hg19) VCF-style: chr9-123731352-C-T.
Other names: c.4225G>A, p.Val1409Ile (NM_001317163.2); short protein forms V1403I, V1409I.
Identifiers: ClinVar variation 3690947 (VCV003690947.2).